The following is an entry in ClinVar:

NM_000238.4(KCNH2):c.3061A>G (p.Ser1021Gly)

Gene: KCNH2 (potassium voltage-gated channel subfamily H member 2; minus strand). Cytogenetic location: 7q36.1.
Variant type: single nucleotide variant.
Coding change: c.3061A>G on transcript NM_000238.4 (MANE Select); coding-DNA position 3061, A replaced by G.
Protein change: p.Ser1021Gly; replaces serine 1021 with glycine.
Molecular consequence: missense variant.
Genome position (GRCh38, 1-based): chr7:150,947,419, T>C on the plus strand (A>G on the coding strand, the complement: KCNH2 is on the minus strand). VCF-style: chr7-150947419-T-C. GRCh37 (hg19) VCF-style: chr7-150644507-T-C.
Other names: c.2041A>G, p.Ser681Gly (NM_172057.3); short protein forms S681G, S1021G.
Identifiers: ClinVar variation 572915 (VCV000572915.6), dbSNP rs1563146032, ClinGen allele CA369852782.

ClinVar aggregate classification (germline): Uncertain significance (1 of 4 stars; one submission).

Conditions:
Long QT syndrome (LQTS). Identifiers: MedGen C0023976, MeSH D008133, MONDO:0002442. Disease mechanism: loss of function. Inheritance: Various modes of inheritance.

Submission:

Labcorp Genetics (formerly Invitae), Labcorp
Classification: Uncertain significance for Long QT syndrome. Last evaluated: 2021-09-02. Review status: criteria provided, single submitter. Criteria: Invitae Variant Classification Sherloc (09022015). Collection method: clinical testing. Allele origin: germline.
Comment: This sequence change replaces serine with glycine at codon 1021 of the KCNH2 protein (p.Ser1021Gly). The serine residue is weakly conserved and there is a small physicochemical difference between serine and glycine. The frequency data for this variant in the population databases is considered unreliable, as metrics indicate insufficient coverage at this position in the ExAC database. This variant has not been reported in the literature in individuals affected with KCNH2-related conditions. Algorithms developed to predict the effect of missense changes on protein structure and function are either unavailable or do not agree on the potential impact of this missense change (SIFT: "Deleterious"; PolyPhen-2: "Benign"; Align-GVGD: "Class C0"). In summary, the available evidence is currently insufficient to determine the role of this variant in disease. Therefore, it has been classified as a Variant of Uncertain Significance.